The following is an entry in ClinVar:

ClinVar aggregate classification (germline): Uncertain significance (1 of 4 stars; one submission).

gnomAD v4.1: 1 of 1,614,164 alleles (0.000062%); highest among the groups gnomAD compares: Non-Finnish European, 0.000085%; no homozygotes.

Submission:

Ambry Genetics
Classification: Uncertain significance. Last evaluated: 2025-02-05. Review status: criteria provided, single submitter. Criteria: Ambry Variant Classification Scheme 2023. Collection method: clinical testing. Allele origin: germline.
Comment: The p.E780K variant (also known as c.2338G>A), located in coding exon 9 of the RNF43 gene, results from a G to A substitution at nucleotide position 2338. The glutamic acid at codon 780 is replaced by lysine, an amino acid with similar properties. This amino acid position is conserved. In addition, this alteration is predicted to be tolerated by in silico analysis. Based on the available evidence, the clinical significance of this variant remains unclear.

NM_017763.6(RNF43):c.2338G>A (p.Glu780Lys)

Gene: RNF43 (ring finger protein 43; minus strand). Cytogenetic location: 17q22.
Variant type: single nucleotide variant.
Coding change: c.2338G>A on transcript NM_017763.6 (MANE Select); coding-DNA position 2338, G replaced by A.
Protein change: p.Glu780Lys; replaces glutamic acid 780 with lysine.
Molecular consequence: missense variant.
Genome position (GRCh38, 1-based): chr17:58,354,957, C>T on the plus strand (G>A on the coding strand, the complement: RNF43 is on the minus strand). VCF-style: chr17-58354957-C-T. GRCh37 (hg19) VCF-style: chr17-56432318-C-T.
Other names: c.2338G>A, p.Glu780Lys (NM_001305544.3); c.1957G>A, p.Glu653Lys (NM_001305545.2); short protein forms E780K, E653K.
Identifiers: ClinVar variation 3789928 (VCV003789928.1).
Genomic context (GRCh38, chr17:58,354,957, plus strand): 5'-AAACACATCTGGAGCACACTCTTGGTTGGAGCTAGGCCTGAACATCTCACACAGCCTGTT[C>T]ACACAGCTCCTCGAGTTCCTCCTCTGAGCCTGTATTTAGAGAGCGGGGAGGAAAGAGGTC-3'
Protein context (NP_060233.3, residues 770-783): GSEEELEELC[Glu780Lys]QAV